The following is an entry in ClinVar:

ClinVar aggregate classification (germline): Uncertain significance (1 of 4 stars; one submission).

Allele frequency attached by ClinVar (database versions not stated): gnomAD exomes below 0.00001.
gnomAD v4.1: 2 of 1,566,914 alleles (0.00013%); highest among the groups gnomAD compares: African/African-American, 0.0014%; no homozygotes.

Submission:

Labcorp Genetics (formerly Invitae), Labcorp
Classification: Uncertain significance. Last evaluated: 2021-12-19. Review status: criteria provided, single submitter. Criteria: Invitae Variant Classification Sherloc (09022015). Collection method: clinical testing. Allele origin: germline.
Comment: In summary, the available evidence is currently insufficient to determine the role of this variant in disease. Therefore, it has been classified as a Variant of Uncertain Significance. Advanced modeling of protein sequence and biophysical properties (such as structural, functional, and spatial information, amino acid conservation, physicochemical variation, residue mobility, and thermodynamic stability) performed at Invitae indicates that this missense variant is not expected to disrupt PCYT1A protein function. This variant has not been reported in the literature in individuals affected with PCYT1A-related conditions. The frequency data for this variant in the population databases is considered unreliable, as metrics indicate poor data quality at this position in the gnomAD database. This sequence change replaces serine, which is neutral and polar, with glycine, which is neutral and non-polar, at codon 322 of the PCYT1A protein (p.Ser322Gly).

NM_001312673.2(PCYT1A):c.964A>G (p.Ser322Gly)

Gene: PCYT1A (phosphate cytidylyltransferase 1A, choline; minus strand). Cytogenetic location: 3q29.
Variant type: single nucleotide variant.
Coding change: c.964A>G on transcript NM_001312673.2 (MANE Select); coding-DNA position 964, A replaced by G.
Protein change: p.Ser322Gly; replaces serine 322 with glycine.
Molecular consequence: missense variant.
Genome position (GRCh38, 1-based): chr3:196,238,828, T>C on the plus strand (A>G on the coding strand, the complement: PCYT1A is on the minus strand). VCF-style: chr3-196238828-T-C. GRCh37 (hg19) VCF-style: chr3-195965699-T-C.
Other names: c.964A>G, p.Ser322Gly (NM_005017.4); short protein forms S322G.
Identifiers: ClinVar variation 2048528 (VCV002048528.2), dbSNP rs1166285887, ClinGen allele CA355607941.